The following is an entry in ClinVar:

NM_000136.3(FANCC):c.1329+212C>T

Genes: AOPEP (aminopeptidase O (putative); plus strand), FANCC (FA complementation group C; minus strand). Cytogenetic location: 9q22.32.
Variant type: single nucleotide variant.
Coding change: c.1329+212C>T on transcript NM_000136.3 (MANE Select); 212 bases into the intron after coding-DNA position 1329, C replaced by T.
Molecular consequence: intron variant. On other transcripts: missense variant (1).
Genome position (GRCh38, 1-based): chr9:95,111,251, G>A on the plus strand (C>T on the coding strand, the complement: FANCC is on the minus strand). VCF-style: chr9-95111251-G-A. GRCh37 (hg19) VCF-style: chr9-97873533-G-A.
Other names: p.T475M:ACG>ATG; c.1424C>T, p.Thr475Met (NM_001243744.2); c.1329+212C>T (NM_001243743.2); short protein forms T475M.
Identifiers: ClinVar variation 137283 (VCV000137283.6), dbSNP rs41281200, ClinGen allele CA290827.
Genomic context (GRCh38, chr9:95,111,251, plus strand): 5'-ACAGATCAAATGACCTTGGGGAAGAAGGGTCTTCGTTTTGCAGGAGAATGGGCTGGCAGC[G>A]TCTCGTCTCTGGCCACCTCGGTGGGGACAGGAGAACGCCTCTGACCACAAGGCTGGAGAT-3'

ClinVar aggregate classification (germline): Conflicting classifications of pathogenicity. Review status: criteria provided, conflicting classifications (1 of 4 stars). 4 submissions from 4 submitters: Uncertain significance (1); Benign (1); Likely benign (1). 1 of the submissions does not count toward it. Last evaluated 2024-11-05.

Conditions:
FANCC-related disorder. Also called: FANCC-related condition.

Allele frequency attached by ClinVar (database versions not stated): 1000 Genomes Project 30x 0.00031; 1000 Genomes Project 0.00040; TOPMed 0.00047; gnomAD 0.00058 and 0.00061; gnomAD exomes 0.00058 and 0.00096; ExAC 0.00072.
gnomAD v4.1: 1,389 of 1,541,052 alleles (0.09%); highest among the groups gnomAD compares: Non-Finnish European, 0.12%; 3 homozygotes.

Submissions (4):

Blueprint Genetics
Classification: Likely benign. Last evaluated: 2024-11-05. Review status: criteria provided, single submitter. Criteria: ACMG Guidelines, 2015. Collection method: clinical testing. Allele origin: germline.

Institute for Clinical Genetics, University Hospital TU Dresden, University Hospital TU Dresden
Classification: Uncertain significance. Last evaluated: 2021-11-03. Review status: criteria provided, single submitter. Criteria: ACMG Guidelines, 2015. Collection method: clinical testing. Allele origin: germline.

GeneDx
Classification: Benign. Last evaluated: 2014-01-06. Review status: criteria provided, single submitter. Criteria: GeneDx Variant Classification (06012015). Collection method: clinical testing. Allele origin: germline. Affected: yes.
Comment: This variant is considered likely benign or benign based on one or more of the following criteria: it is a conservative change, it occurs at a poorly conserved position in the protein, it is predicted to be benign by multiple in silico algorithms, and/or has population frequency not consistent with disease.

PreventionGenetics, part of Exact Sciences
Classification: Likely benign for FANCC-related condition. Last evaluated: 2024-08-14. Review status: no assertion criteria provided. Collection method: clinical testing. Allele origin: germline. Not counted in ClinVar's aggregate classification.
Comment: This variant is classified as likely benign based on ACMG/AMP sequence variant interpretation guidelines (Richards et al. 2015 PMID: 25741868, with internal and published modifications).